The following is an entry in ClinVar:

NM_006790.3(MYOT):c.473T>C (p.Ile158Thr)

Genes: PKD2L2-DT (PKD2L2 divergent transcript; minus strand), MYOT (myotilin; plus strand). Cytogenetic location: 5q31.2.
Variant type: single nucleotide variant.
Coding change: c.473T>C on transcript NM_006790.3 (MANE Select); coding-DNA position 473, T replaced by C.
Protein change: p.Ile158Thr; replaces isoleucine 158 with threonine.
Molecular consequence: missense variant. On other transcripts: 5 prime UTR variant (1).
Genome position (GRCh38, 1-based): chr5:137,875,945, T>C. VCF-style: chr5-137875945-T-C. GRCh37 (hg19) VCF-style: chr5-137211634-T-C.
Other names: c.-80T>C (NM_001135940.2); c.128T>C, p.Ile43Thr (NM_001300911.2); short protein forms I158T, I43T.
Identifiers: ClinVar variation 2747787 (VCV002747787.3), dbSNP rs2531999560, ClinGen allele CA361054278.
Genomic context (GRCh38, chr5:137,875,945, plus strand): 5'-ATGCTAAGCCCATACCAAGAACTCCTGATCATGAAATACAAGGATCAAAAGAAGCTTTGA[T>C]TCAAGATTTGGAAAGAAAGCTGAAATGCAAGGACACCCTTCTTCATAATGGAAATCAAGT-3'
Protein context (NP_006781.1, residues 148-168): HEIQGSKEAL[Ile158Thr]QDLERKLKCK

ClinVar aggregate classification (germline): Uncertain significance (1 of 4 stars; one submission).

Conditions:
Myofibrillar myopathy 3 (MFM3). Also called: Autosomal dominant spheroid body myopathy; Muscular dystrophy, proximal, type 1A. Identifiers: Orphanet 266, Orphanet 268129, MedGen C3714934, MONDO:0012215, OMIM 609200.

Submission:

Labcorp Genetics (formerly Invitae), Labcorp
Classification: Uncertain significance for Myofibrillar myopathy 3. Last evaluated: 2024-10-29. Review status: criteria provided, single submitter. Criteria: Invitae Variant Classification Sherloc (09022015). Collection method: clinical testing. Allele origin: germline.
Comment: This sequence change replaces isoleucine, which is neutral and non-polar, with threonine, which is neutral and polar, at codon 158 of the MYOT protein (p.Ile158Thr). This variant is not present in population databases (gnomAD no frequency). This variant has not been reported in the literature in individuals affected with MYOT-related conditions. ClinVar contains an entry for this variant (Variation ID: 2747787). Invitae Evidence Modeling of protein sequence and biophysical properties (such as structural, functional, and spatial information, amino acid conservation, physicochemical variation, residue mobility, and thermodynamic stability) indicates that this missense variant is not expected to disrupt MYOT protein function with a negative predictive value of 80%. In summary, the available evidence is currently insufficient to determine the role of this variant in disease. Therefore, it has been classified as a Variant of Uncertain Significance.